The following is an entry in ClinVar:

NM_153704.6(TMEM67):c.793T>G (p.Phe265Val)

Gene: TMEM67 (transmembrane protein 67; plus strand). Cytogenetic location: 8q22.1.
Variant type: single nucleotide variant.
Coding change: c.793T>G on transcript NM_153704.6 (MANE Select); coding-DNA position 793, T replaced by G.
Protein change: p.Phe265Val; replaces phenylalanine 265 with valine.
Molecular consequence: missense variant. On other transcripts: non-coding transcript variant (1).
Genome position (GRCh38, 1-based): chr8:93,780,671, T>G. VCF-style: chr8-93780671-T-G. GRCh37 (hg19) VCF-style: chr8-94792899-T-G.
Other names: c.550T>G, p.Phe184Val (NM_001142301.1); short protein forms F265V, F184V.
Identifiers: ClinVar variation 2004347 (VCV002004347.4), dbSNP rs1222420824, ClinGen allele CA371687863.

ClinVar aggregate classification (germline): Uncertain significance (1 of 4 stars; one submission).

Conditions:
Joubert syndrome. Also called: CEREBELLOPARENCHYMAL DISORDER IV; JOUBERT-BOLTSHAUSER SYNDROME; Familial aplasia of the vermis. Identifiers: Orphanet 475, MedGen C5979921, MONDO:0018772.
Meckel-Gruber syndrome. Also called: DYSENCEPHALIA SPLANCHNOCYSTICA; GRUBER SYNDROME; Dysencephalia splachnocystica. Identifiers: Orphanet 564, MedGen C0265215, MONDO:0018921.

Allele frequency attached by ClinVar (database versions not stated): TOPMed below 0.00001.

Submission:

Labcorp Genetics (formerly Invitae), Labcorp
Classification: Uncertain significance for Joubert syndrome; Meckel-Gruber syndrome. Last evaluated: 2022-10-04. Review status: criteria provided, single submitter. Criteria: Invitae Variant Classification Sherloc (09022015). Collection method: clinical testing. Allele origin: germline.
Comment: In summary, the available evidence is currently insufficient to determine the role of this variant in disease. Therefore, it has been classified as a Variant of Uncertain Significance. This sequence change replaces phenylalanine, which is neutral and non-polar, with valine, which is neutral and non-polar, at codon 265 of the TMEM67 protein (p.Phe265Val). This variant is not present in population databases (gnomAD no frequency). This variant has not been reported in the literature in individuals affected with TMEM67-related conditions. Algorithms developed to predict the effect of missense changes on protein structure and function output the following: SIFT: "Tolerated"; PolyPhen-2: "Benign"; Align-GVGD: "Class C0". The valine amino acid residue is found in multiple mammalian species, which suggests that this missense change does not adversely affect protein function.